The following is an entry in ClinVar:

ClinVar aggregate classification (germline): Uncertain significance (1 of 4 stars; one submission).

Conditions:
Hereditary cancer-predisposing syndrome. Also called: Neoplastic Syndromes, Hereditary; Tumor predisposition; Hereditary neoplastic syndrome; Hereditary Cancer Syndrome. Identifiers: Orphanet 140162, MedGen C0027672, MeSH D009386, MONDO:0015356.

Submission:

Ambry Genetics
Classification: Uncertain significance for Hereditary cancer-predisposing syndrome. Last evaluated: 2025-06-05. Review status: criteria provided, single submitter. Criteria: Ambry Variant Classification Scheme 2023. Collection method: clinical testing. Allele origin: germline.
Comment: The p.D182Y variant (also known as c.544G>T), located in coding exon 1 of the GREM1 gene, results from a G to T substitution at nucleotide position 544. The aspartic acid at codon 182 is replaced by tyrosine, an amino acid with highly dissimilar properties. This amino acid position is conserved. In addition, the in silico prediction for this alteration is inconclusive. Based on the available evidence, the clinical significance of this variant remains unclear.

NM_013372.7(GREM1):c.544G>T (p.Asp182Tyr)

Gene: GREM1 (gremlin 1, DAN family BMP antagonist; plus strand). Cytogenetic location: 15q13.3.
Variant type: single nucleotide variant.
Coding change: c.544G>T on transcript NM_013372.7 (MANE Select); coding-DNA position 544, G replaced by T.
Protein change: p.Asp182Tyr; replaces aspartic acid 182 with tyrosine.
Molecular consequence: missense variant.
Genome position (GRCh38, 1-based): chr15:32,731,234, G>T. VCF-style: chr15-32731234-G-T. GRCh37 (hg19) VCF-style: chr15-33023435-G-T.
Other names: c.334G>T, p.Asp112Tyr (NM_001191322.2); c.421G>T, p.Asp141Tyr (NM_001191323.2); c.544G>T, p.Asp182Tyr (NM_001368719.1); short protein forms D141Y, D182Y, D112Y.
Identifiers: ClinVar variation 4032211 (VCV004032211.1).
Genomic context (GRCh38, chr15:32,731,234, plus strand): 5'-CAGCCACCTACCAAGAAGAAGAGAGTCACACGTGTGAAGCAGTGTCGTTGCATATCCATC[G>T]ATTTGGATTAAGCCAAATCCAGGTGCACCCAGCATGTCCTAGGAATGCAGCCCCAGGAAG-3'
Protein context (NP_037504.1, residues 172-184): RVKQCRCISI[Asp182Tyr]LD